The following is an entry in ClinVar:

ClinVar aggregate classification (germline): Likely benign (1 of 4 stars; one submission).

Allele frequency attached by ClinVar (database versions not stated): gnomAD exomes 0.00005; ExAC 0.00015; gnomAD 0.00016; 1000 Genomes Project 30x 0.00021; 1000 Genomes Project 0.00026.

Submission:

CeGaT Center for Human Genetics Tuebingen
Classification: Likely benign. Last evaluated: 2023-04-01. Review status: criteria provided, single submitter. Criteria: CeGaT Center For Human Genetics Tuebingen Variant Classification Criteria Version 2. Collection method: clinical testing. Allele origin: germline. Affected: yes. Observed: 1 variant allele.
Comment: PLXNB3: BP4, BS2

NM_005393.3(PLXNB3):c.2257T>C (p.Tyr753His)

Gene: PLXNB3 (plexin B3; plus strand). Cytogenetic location: Xq28.
Variant type: single nucleotide variant.
Coding change: c.2257T>C on transcript NM_005393.3 (MANE Select); coding-DNA position 2257, T replaced by C.
Protein change: p.Tyr753His; replaces tyrosine 753 with histidine.
Molecular consequence: missense variant.
Genome position (GRCh38, 1-based): chrX:153,771,313, T>C. VCF-style: chrX-153771313-T-C. GRCh37 (hg19) VCF-style: chrX-153036768-T-C.
Other names: c.2326T>C, p.Tyr776His (NM_001163257.2); short protein forms Y753H, Y776H.
Identifiers: ClinVar variation 2661722 (VCV002661722.24), dbSNP rs781946256, ClinGen allele CA10551166.